The following is an entry in ClinVar:

ClinVar aggregate classification (germline): Conflicting classifications of pathogenicity. Review status: criteria provided, conflicting classifications (1 of 4 stars). 14 submissions from 14 submitters: Uncertain significance (5); Benign (1); Likely benign (7). 1 of the submissions does not count toward it. Last evaluated 2026-02-09.

Conditions:
SACS-related disorder. Also called: SACS-related condition.
Hereditary spastic paraplegia. Also called: Familial spastic paraparesis. Identifiers: Orphanet 685, MedGen C0037773, MONDO:0019064. Disease mechanism: loss of function.
Spastic paraplegia. Identifiers: MedGen C0037772, HP:0001258.
Inborn genetic diseases. Identifiers: MedGen C0950123, MeSH D030342.
Charlevoix-Saguenay spastic ataxia (SACS). Also called: AUTOSOMAL RECESSIVE SPASTIC ATAXIA OF CHARLEVOIX-SAGUENAY; SPASTIC ATAXIA 6, AUTOSOMAL RECESSIVE; Spastic ataxia of Charlevoix-Saguenay. Identifiers: Orphanet 98, MedGen C1849140, MONDO:0010041, OMIM 270550.

Allele frequency attached by ClinVar (database versions not stated): TOPMed 0.00092; 1000 Genomes Project 30x 0.00094; 1000 Genomes Project 0.00100; ESP Exome Variant Server 0.00138.
gnomAD v4.1: 1,643 of 1,613,992 alleles (0.1%); highest among the groups gnomAD compares: Admixed American, 0.18%; 3 homozygotes.

Submissions (14):

Women's Health and Genetics/Laboratory Corporation of America, LabCorp
Classification: Uncertain significance. Last evaluated: 2026-02-09. Review status: criteria provided, single submitter. Criteria: LabCorp Variant Classification Summary - May 2015. Collection method: clinical testing. Allele origin: germline.
Comment: Variant summary: SACS c.3427C>A (p.Gln1143Lys) results in a conservative amino acid change in the encoded protein sequence. Algorithms developed to predict the effect of missense changes on protein structure and function are either unavailable or do not agree on the potential impact of this missense change. The variant allele was found at a frequency of 0.0011 in 251066 control chromosomes. This frequency is not significantly higher than estimated for disease-causing variants in SACS, allowing no conclusion about variant significance. c.3427C>A has been observed in individual(s) affected with clinical features of Autosomal Recessive Spastic Ataxia Of Charlevoix-Saguenay without strong evidence for causality (e.g. Sun_2019, Musante_2022, Martinez-Rubio_2022). These report(s) do not provide unequivocal conclusions about association of the variant with Autosomal Recessive Spastic Ataxia Of Charlevoix-Saguenay. To our knowledge, no experimental evidence demonstrating an impact on protein function has been reported. The following publications have been ascertained in the context of this evaluation (PMID: 36233161, 35328054, 23280630, 29915382). ClinVar contains an entry for this variant (Variation ID: 212112). Based on the evidence outlined above, the variant was classified as VUS-possibly benign.

Labcorp Genetics (formerly Invitae), Labcorp
Classification: Likely benign for Spastic paraplegia. Last evaluated: 2026-01-28. Review status: criteria provided, single submitter. Criteria: Invitae Variant Classification Sherloc (09022015). Collection method: clinical testing. Allele origin: germline.

CeGaT Center for Human Genetics Tuebingen
Classification: Likely benign. Last evaluated: 2025-06-01. Review status: criteria provided, single submitter. Criteria: CeGaT Center For Human Genetics Tuebingen Variant Classification Criteria Version 2. Collection method: clinical testing. Allele origin: germline. Affected: yes. Observed: 9 variant alleles.
Comment: SACS: BP4, BS2

Mayo Clinic Laboratories, Mayo Clinic
Classification: Likely benign. Last evaluated: 2024-11-25. Review status: criteria provided, single submitter. Criteria: ACMG Guidelines, 2015. Collection method: clinical testing. Allele origin: germline. Observed: 8 variant alleles.
Comment: BS1, BP4

Athena Diagnostics
Classification: Benign. Last evaluated: 2024-11-21. Review status: criteria provided, single submitter. Criteria: Athena Diagnostics Criteria. Collection method: clinical testing. Allele origin: unknown.

Blueprint Genetics
Classification: Uncertain significance. Last evaluated: 2024-11-13. Review status: criteria provided, single submitter. Criteria: ACMG Guidelines, 2015. Collection method: clinical testing. Allele origin: germline.

Ambry Genetics
Classification: Likely benign for Inborn genetic diseases. Last evaluated: 2021-09-18. Review status: criteria provided, single submitter. Criteria: Ambry Variant Classification Scheme 2023. Collection method: clinical testing. Allele origin: germline.

Genome-Nilou Lab
Classification: Likely benign for Charlevoix-Saguenay spastic ataxia. Last evaluated: 2021-09-05. Review status: criteria provided, single submitter. Criteria: ACMG Guidelines, 2015. Collection method: clinical testing. Allele origin: germline. Affected: no.

Genome Diagnostics Laboratory, The Hospital for Sick Children
Classification: Likely benign for Hereditary spastic paraplegia. Last evaluated: 2021-03-30. Review status: criteria provided, single submitter. Criteria: ACMG Guidelines, 2015. Collection method: clinical testing. Allele origin: germline. Affected: yes.

Baylor Genetics
Classification: Uncertain significance for Charlevoix-Saguenay spastic ataxia. Last evaluated: 2020-07-27. Review status: criteria provided, single submitter. Criteria: ACMG Guidelines, 2015. Collection method: clinical testing. Allele origin: unknown. Affected: yes.
Comment: This variant was determined to be of uncertain significance according to ACMG Guidelines, 2015 [PMID:25741868].

GeneDx
Classification: Likely benign. Last evaluated: 2019-03-29. Review status: criteria provided, single submitter. Criteria: GeneDx Variant Classification Process June 2021. Collection method: clinical testing. Allele origin: germline. Affected: yes.
Comment: See Variant Classification Assertion Criteria.

Illumina Laboratory Services, Illumina
Classification: Uncertain significance for Charlevoix-Saguenay spastic ataxia. Last evaluated: 2018-01-13. Review status: criteria provided, single submitter. Criteria: ICSL Variant Classification Criteria 13 December 2019. Collection method: clinical testing. Allele origin: germline.

Genetic Services Laboratory, University of Chicago
Classification: Uncertain significance. Last evaluated: 2015-02-22. Review status: criteria provided, single submitter. Criteria: ACMG Guidelines, 2015. Collection method: clinical testing. Allele origin: germline.

PreventionGenetics, part of Exact Sciences
Classification: Likely benign for SACS-related condition. Last evaluated: 2020-11-30. Review status: no assertion criteria provided. Collection method: clinical testing. Allele origin: germline. Not counted in ClinVar's aggregate classification.
Comment: This variant is classified as likely benign based on ACMG/AMP sequence variant interpretation guidelines (Richards et al. 2015 PMID: 25741868, with internal and published modifications).

Literature cited by the submitters: PubMed 23280630 (cited by 3 submitters); PubMed 29915382 (cited by 3 submitters); PubMed 36233161 (cited by 3 submitters); PubMed 35328054 (cited by 3 submitters); PubMed 34426522 (cited by Mayo Clinic Laboratories, Mayo Clinic and Athena Diagnostics); PubMed 35385219 (cited by Mayo Clinic Laboratories, Mayo Clinic); PubMed 34429451 (cited by Athena Diagnostics); PubMed 37926714 (cited by Athena Diagnostics); PubMed 34085946 (cited by Athena Diagnostics); PubMed 31636600 (cited by Athena Diagnostics); PubMed 24123366 (cited by Athena Diagnostics); PubMed 31681433 (cited by Athena Diagnostics); PubMed 28050010 (cited by Athena Diagnostics); PubMed 38534332 (cited by Athena Diagnostics).

NM_014363.6(SACS):c.3427C>A (p.Gln1143Lys)

Gene: SACS (sacsin molecular chaperone; minus strand). Cytogenetic location: 13q12.12.
Variant type: single nucleotide variant.
Coding change: c.3427C>A on transcript NM_014363.6 (MANE Select); coding-DNA position 3427, C replaced by A.
Protein change: p.Gln1143Lys; replaces glutamine 1143 with lysine.
Molecular consequence: missense variant.
Genome position (GRCh38, 1-based): chr13:23,340,449, G>T on the plus strand (C>A on the coding strand, the complement: SACS is on the minus strand). VCF-style: chr13-23340449-G-T. GRCh37 (hg19) VCF-style: chr13-23914588-G-T.
Other names: p.Gln1143Lys; c.2986C>A, p.Gln996Lys (NM_001278055.2); short protein forms Q1143K, Q996K.
Identifiers: ClinVar variation 212112 (VCV000212112.81), dbSNP rs144267558, ClinGen allele CA207090.